The following is an entry in ClinVar:

NM_016373.4(WWOX):c.1057-292C>T

Genes: MAF (MAF bZIP transcription factor; minus strand), WWOX (WW domain containing oxidoreductase; plus strand). Cytogenetic location: 16q23.2.
Variant type: single nucleotide variant.
Coding change: c.1057-292C>T on transcript NM_016373.4 (MANE Select); 292 bases into the intron before coding-DNA position 1057, C replaced by T.
Molecular consequence: intron variant.
Genome position (GRCh38, 1-based): chr16:79,211,316, C>T. VCF-style: chr16-79211316-C-T. GRCh37 (hg19) VCF-style: chr16-79245213-C-T.
Other names: c.718-292C>T (NM_001291997.2).
Identifiers: ClinVar variation 669924 (VCV000669924.1), dbSNP rs114703987, ClinGen allele CA284130685.

ClinVar aggregate classification (germline): Benign (1 of 4 stars; one submission).

Allele frequency attached by ClinVar (database versions not stated): gnomAD 0.01915 and 0.02034; 1000 Genomes Project 0.02037; TOPMed 0.02165; 1000 Genomes Project 30x 0.02217.
gnomAD v4.1: 2,880 of 152,214 alleles (1.9%); highest among the groups gnomAD compares: African/African-American, 6.6%; 99 homozygotes.

Submission:

GeneDx
Classification: Benign. Last evaluated: 2018-06-19. Review status: criteria provided, single submitter. Criteria: GeneDx Variant Classification (06012015). Collection method: clinical testing. Allele origin: germline. Affected: yes.
Comment: This variant is considered likely benign or benign based on one or more of the following criteria: it is a conservative change, it occurs at a poorly conserved position in the protein, it is predicted to be benign by multiple in silico algorithms, and/or has population frequency not consistent with disease.